The following is an entry in ClinVar:

ClinVar aggregate classification (germline): Uncertain significance (1 of 4 stars; one submission).

Conditions:
Autoimmune interstitial lung disease-arthritis syndrome. Also called: Autoinflammation and autoimmunity, systemic, with immune dysregulation. Identifiers: Orphanet 444092, MedGen C5975714, MONDO:0014629.

Allele frequency attached by ClinVar (database versions not stated): gnomAD exomes below 0.00001; ExAC 0.00001.
gnomAD v4.1: 3 of 1,614,138 alleles (0.00019%); highest among the groups gnomAD compares: Non-Finnish European, 0.00025%; no homozygotes.

Submission:

Labcorp Genetics (formerly Invitae), Labcorp
Classification: Uncertain significance for Autoimmune interstitial lung disease-arthritis syndrome. Last evaluated: 2025-11-25. Review status: criteria provided, single submitter. Criteria: Invitae Variant Classification Sherloc (09022015). Collection method: clinical testing. Allele origin: germline.
Comment: This sequence change falls in intron 27 of the COPA gene. It does not directly change the encoded amino acid sequence of the COPA protein. It affects a nucleotide within the consensus splice site. This variant is present in population databases (rs778388338, gnomAD 0.0009%). This variant has not been reported in the literature in individuals affected with COPA-related conditions. ClinVar contains an entry for this variant (Variation ID: 1008473). Variants that disrupt the consensus splice site are a relatively common cause of aberrant splicing (PMID: 17576681, 9536098). Algorithms developed to predict the effect of sequence changes on RNA splicing suggest that this variant is not likely to affect RNA splicing. In summary, the available evidence is currently insufficient to determine the role of this variant in disease. Therefore, it has been classified as a Variant of Uncertain Significance.

Literature cited by the submitters: PubMed 17576681; PubMed 9536098.

NM_004371.4(COPA):c.2823+3A>G

Gene: COPA (coat protein complex I subunit alpha; minus strand). Cytogenetic location: 1q23.2.
Variant type: single nucleotide variant.
Coding change: c.2823+3A>G on transcript NM_004371.4 (MANE Select); 3 bases into the intron after coding-DNA position 2823, A replaced by G.
Molecular consequence: intron variant.
Genome position (GRCh38, 1-based): chr1:160,293,163, T>C on the plus strand (A>G on the coding strand, the complement: COPA is on the minus strand). VCF-style: chr1-160293163-T-C. GRCh37 (hg19) VCF-style: chr1-160262953-T-C.
Other names: c.2850+3A>G (NM_001098398.2).
Identifiers: ClinVar variation 1008473 (VCV001008473.6), dbSNP rs778388338, ClinGen allele CA1197767.